The following is an entry in ClinVar:

NM_021098.3(CACNA1H):c.988G>A (p.Val330Met)

Gene: CACNA1H (calcium voltage-gated channel subunit alpha1 H; plus strand). Cytogenetic location: 16p13.3.
Variant type: single nucleotide variant.
Coding change: c.988G>A on transcript NM_021098.3 (MANE Select); coding-DNA position 988, G replaced by A.
Protein change: p.Val330Met; replaces valine 330 with methionine.
Molecular consequence: missense variant.
Genome position (GRCh38, 1-based): chr16:1,200,440, G>A. VCF-style: chr16-1200440-G-A. GRCh37 (hg19) VCF-style: chr16-1250440-G-A.
Other names: c.988G>A, p.Val330Met (NM_001005407.2); short protein forms V330M.
Identifiers: ClinVar variation 1284896 (VCV001284896.7), dbSNP rs752653043, ClinGen allele CA7799737.

ClinVar aggregate classification (germline): Conflicting classifications of pathogenicity. Review status: criteria provided, conflicting classifications (1 of 4 stars). 5 submissions from 5 submitters: Uncertain significance (2); Benign (1). 2 of the submissions do not count toward it. Last evaluated 2025-09-03.

Conditions:
Idiopathic generalized epilepsy. Also called: Generalised epilepsy; EIG. Identifiers: MedGen C0270850, MONDO:0005579, OMIM 600669.
Hyperaldosteronism, familial, type IV (HALD4). Also called: FH IV; ALDOSTERONISM, PRIMARY, AND HYPERTENSION. Identifiers: Orphanet 642671, MedGen C4310756, MONDO:0014875, OMIM 617027.
Epilepsy, childhood absence, susceptibility to, 6. Identifiers: Orphanet 64280, MedGen C2749872, MONDO:0012763, OMIM 611942.

gnomAD v4.1: 70 of 1,611,006 alleles (0.0043%); highest among the groups gnomAD compares: Non-Finnish European, 0.0058%; no homozygotes.

Submissions (5):

Women's Health and Genetics/Laboratory Corporation of America, LabCorp
Classification: Uncertain significance. Last evaluated: 2025-09-03. Review status: criteria provided, single submitter. Criteria: LabCorp Variant Classification Summary - May 2015. Collection method: clinical testing. Allele origin: germline.
Comment: Variant summary: CACNA1H c.988G>A (p.Val330Met) results in a conservative amino acid change in the encoded protein sequence. Algorithms developed to predict the effect of missense changes on protein structure and function are either unavailable or do not agree on the potential impact of this missense change. The variant allele was found at a frequency of 4.1e-05 in 244598 control chromosomes. This frequency is not significantly higher than estimated for disease-causing variants in CACNA1H, allowing no conclusion about variant significance. To our knowledge, no occurrence of c.988G>A in individuals affected with CACNA1H-related conditions and no experimental evidence demonstrating its impact on protein function have been reported. ClinVar contains an entry for this variant (Variation ID: 1284896). Based on the evidence outlined above, the variant was classified as uncertain significance.

Fulgent Genetics
Classification: Uncertain significance for Epilepsy, childhood absence, susceptibility to, 6; Hyperaldosteronism, familial, type IV. Last evaluated: 2024-05-17. Review status: criteria provided, single submitter. Criteria: ACMG Guidelines, 2015. Collection method: clinical testing. Allele origin: germline.

Labcorp Genetics (formerly Invitae), Labcorp
Classification: Benign for Idiopathic generalized epilepsy; Hyperaldosteronism, familial, type IV. Last evaluated: 2024-05-06. Review status: criteria provided, single submitter. Criteria: Invitae Variant Classification Sherloc (09022015). Collection method: clinical testing. Allele origin: germline.

Clinical Genetics DNA and cytogenetics Diagnostics Lab, Erasmus MC, Erasmus Medical Center
Classification: Likely benign. Review status: no assertion criteria provided. Collection method: clinical testing. Allele origin: germline. Affected: yes. Study: VKGL Data-share Consensus. Not counted in ClinVar's aggregate classification.

Genome Diagnostics Laboratory, University Medical Center Utrecht
Classification: Likely benign. Review status: no assertion criteria provided. Collection method: clinical testing. Allele origin: germline. Affected: yes. Study: VKGL Data-share Consensus. Not counted in ClinVar's aggregate classification.